The following is an entry in ClinVar:

NM_015971.4(MRPS7):c.508-10T>C

Gene: MRPS7 (mitochondrial ribosomal protein S7; plus strand). Cytogenetic location: 17q25.1.
Variant type: single nucleotide variant.
Coding change: c.508-10T>C on transcript NM_015971.4 (MANE Select); 10 bases into the intron before coding-DNA position 508, T replaced by C.
Molecular consequence: intron variant.
Genome position (GRCh38, 1-based): chr17:75,265,692, T>C. VCF-style: chr17-75265692-T-C. GRCh37 (hg19) VCF-style: chr17-73261773-T-C.
Identifiers: ClinVar variation 382643 (VCV000382643.1), dbSNP rs940948179, ClinGen allele CA16607840.

ClinVar aggregate classification (germline): Likely benign (1 of 4 stars; one submission).

Submission:

GeneDx
Classification: Likely benign. Last evaluated: 2016-02-16. Review status: criteria provided, single submitter. Criteria: GeneDx Variant Classification (06012015). Collection method: clinical testing. Allele origin: germline. Affected: yes.
Comment: This variant is considered likely benign or benign based on one or more of the following criteria: it is a conservative change, it occurs at a poorly conserved position in the protein, it is predicted to be benign by multiple in silico algorithms, and/or has population frequency not consistent with disease.